The following is an entry in ClinVar:

ClinVar aggregate classification (germline): Uncertain significance (1 of 4 stars; one submission).

Conditions:
Charcot-Marie-Tooth disease type 4. Also called: Charcot-Marie-Tooth disease, type IV; Charcot-Marie-Tooth, Type 4. Identifiers: Orphanet 64749, MedGen C4082197, MONDO:0018995.

Allele frequency attached by ClinVar (database versions not stated): gnomAD exomes below 0.00001; TOPMed below 0.00001.
gnomAD v4.1: 5 of 1,614,256 alleles (0.00031%); highest among the groups gnomAD compares: East Asian, 0.0045%; no homozygotes.

Submission:

Labcorp Genetics (formerly Invitae), Labcorp
Classification: Uncertain significance for Charcot-Marie-Tooth disease type 4. Last evaluated: 2022-06-24. Review status: criteria provided, single submitter. Criteria: Invitae Variant Classification Sherloc (09022015). Collection method: clinical testing. Allele origin: germline.
Comment: Algorithms developed to predict the effect of missense changes on protein structure and function (SIFT, PolyPhen-2, Align-GVGD) all suggest that this variant is likely to be disruptive. In summary, the available evidence is currently insufficient to determine the role of this variant in disease. Therefore, it has been classified as a Variant of Uncertain Significance. This variant has not been reported in the literature in individuals affected with FGD4-related conditions. This variant is not present in population databases (gnomAD no frequency). This sequence change replaces aspartic acid, which is acidic and polar, with glycine, which is neutral and non-polar, at codon 361 of the FGD4 protein (p.Asp361Gly).

NM_001370298.3(FGD4):c.1493A>G (p.Asp498Gly)

Gene: FGD4 (FYVE, RhoGEF and PH domain containing 4; plus strand). Cytogenetic location: 12p11.21.
Variant type: single nucleotide variant.
Coding change: c.1493A>G on transcript NM_001370298.3 (MANE Select); coding-DNA position 1493, A replaced by G.
Protein change: p.Asp498Gly; replaces aspartic acid 498 with glycine.
Molecular consequence: missense variant.
Genome position (GRCh38, 1-based): chr12:32,608,045, A>G. VCF-style: chr12-32608045-A-G. GRCh37 (hg19) VCF-style: chr12-32760979-A-G.
Other names: c.1337A>G, p.Asp446Gly (NM_001304481.2); c.338A>G, p.Asp113Gly (NM_001304483.2); c.50A>G, p.Asp17Gly (NM_001304484.2); c.803A>G, p.Asp268Gly (NM_001330373.2, NM_001330374.2, NM_001384130.1); c.530A>G, p.Asp177Gly (NM_001370297.1); c.1493A>G, p.Asp498Gly (NM_001384126.1); c.1082A>G, p.Asp361Gly (NM_001384127.1, NM_001384128.1, NM_001385118.1 and 1 more transcripts); short protein forms D177G, D17G, D268G, D113G, D446G, D361G, D498G.
Identifiers: ClinVar variation 2183946 (VCV002183946.4), dbSNP rs1490014587, ClinGen allele CA384360530.